The following is an entry in ClinVar:

NM_001330288.2(SMARCC2):c.1922T>C (p.Leu641Pro)

Gene: SMARCC2 (SWI/SNF related, matrix associated, actin dependent regulator of chromatin subfamily c member 2; minus strand). Cytogenetic location: 12q13.2.
Variant type: single nucleotide variant.
Coding change: c.1922T>C on transcript NM_001330288.2 (MANE Select); coding-DNA position 1922, T replaced by C.
Protein change: p.Leu641Pro; replaces leucine 641 with proline.
Molecular consequence: missense variant.
Genome position (GRCh38, 1-based): chr12:56,172,432, A>G on the plus strand (T>C on the coding strand, the complement: SMARCC2 is on the minus strand). VCF-style: chr12-56172432-A-G. GRCh37 (hg19) VCF-style: chr12-56566216-A-G.
Other names: c.1922T>C, p.Leu641Pro (NM_001130420.3, NM_139067.4); c.1829T>C, p.Leu610Pro (NM_003075.5); short protein forms L610P, L641P.
Identifiers: ClinVar variation 623249 (VCV000623249.3), dbSNP rs1565903367, ClinGen allele CA385344755.
Genomic context (GRCh38, chr12:56,172,432, plus strand): 5'-ACACGGAGCCCACTTCTGTTTTCAGAGAAAAACTCTCTTTTCTTTGCCCCAATTACCTCC[A>G]GGAGAAGCAGGGTTTCCTGTTCTGTCCACTCACGAGTGGCACTGGCTGCAGCCTTGCTCT-3'
Protein context (NP_001317217.1, residues 631-651): EWTEQETLLL[Leu641Pro]EALEMYKDDW

ClinVar aggregate classification (germline): Pathogenic. Review status: criteria provided, single submitter (1 of 4 stars). 2 submissions from 2 submitters: Pathogenic (1). 1 of the submissions does not count toward it. Last evaluated 2022-01-19.

Conditions:
Coffin-Siris syndrome 8. Identifiers: MedGen C5193054, MONDO:0032702, OMIM 618362.

Submissions (2):

GeneDx
Classification: Pathogenic. Last evaluated: 2022-01-19. Review status: criteria provided, single submitter. Criteria: GeneDx Variant Classification Process June 2021. Collection method: clinical testing. Allele origin: germline. Affected: yes.
Comment: Not observed at significant frequency in large population cohorts (gnomAD); In silico analysis supports that this missense variant has a deleterious effect on protein structure/function; This variant is associated with the following publications: (PMID: 30580808)

OMIM
Classification: Pathogenic for COFFIN-SIRIS SYNDROME 8. Last evaluated: 2019-03-19. Review status: no assertion criteria provided. Collection method: literature only. Allele origin: germline. Not counted in ClinVar's aggregate classification.

Literature cited by the submitters: PubMed 30580808 (cited by OMIM).